The following is an entry in ClinVar:

NM_000081.4(LYST):c.6882-1G>T

Gene: LYST (lysosomal trafficking regulator; minus strand). Cytogenetic location: 1q42.3.
Variant type: single nucleotide variant.
Coding change: c.6882-1G>T on transcript NM_000081.4 (MANE Select); the canonical splice acceptor site of the intron before coding-DNA position 6882, G replaced by T.
Molecular consequence: splice acceptor variant.
Genome position (GRCh38, 1-based): chr1:235,757,459, C>A on the plus strand (G>T on the coding strand, the complement: LYST is on the minus strand). VCF-style: chr1-235757459-C-A. GRCh37 (hg19) VCF-style: chr1-235920759-C-A.
Other names: c.6882-1G>T (NM_001301365.1).
Identifiers: ClinVar variation 2676380 (VCV002676380.3), dbSNP rs2527786424, ClinGen allele CA344937629.

ClinVar aggregate classification (germline): Likely pathogenic. Review status: criteria provided, multiple submitters, no conflicts (2 of 4 stars). 2 submissions from 2 submitters: Likely pathogenic (2). Last evaluated 2024-03-13.

Conditions:
Chédiak-Higashi syndrome (CHS). Also called: Chediak-Higashi Syndrome. Identifiers: Orphanet 167, MedGen C0007965, MONDO:0008963, OMIM 214500.

Submissions (2):

Labcorp Genetics (formerly Invitae), Labcorp
Classification: Likely pathogenic for Chédiak-Higashi syndrome. Last evaluated: 2024-03-13. Review status: criteria provided, single submitter. Criteria: Invitae Variant Classification Sherloc (09022015). Collection method: clinical testing. Allele origin: germline.
Comment: This sequence change affects an acceptor splice site in intron 23 of the LYST gene. It is expected to disrupt RNA splicing. Variants that disrupt the donor or acceptor splice site typically lead to a loss of protein function (PMID: 16199547), and loss-of-function variants in LYST are known to be pathogenic (PMID: 9215679, 11857544). This variant is not present in population databases (gnomAD no frequency). This variant has not been reported in the literature in individuals affected with LYST-related conditions. Algorithms developed to predict the effect of sequence changes on RNA splicing suggest that this variant may disrupt the consensus splice site. In summary, the currently available evidence indicates that the variant is pathogenic, but additional data are needed to prove that conclusively. Therefore, this variant has been classified as Likely Pathogenic.

Baylor Genetics
Classification: Likely pathogenic for Chédiak-Higashi syndrome. Last evaluated: 2022-04-14. Review status: criteria provided, single submitter. Criteria: ACMG Guidelines, 2015. Collection method: clinical testing. Allele origin: unknown.

Literature cited by the submitters: PubMed 16199547 (cited by Labcorp Genetics (formerly Invitae), Labcorp); PubMed 9215679 (cited by Labcorp Genetics (formerly Invitae), Labcorp); PubMed 11857544 (cited by Labcorp Genetics (formerly Invitae), Labcorp).